The following is an entry in ClinVar:

NM_181712.5(KANK4):c.1154G>A (p.Arg385Gln)

Gene: KANK4 (KN motif and ankyrin repeat domains 4; minus strand). Cytogenetic location: 1p31.3.
Variant type: single nucleotide variant.
Coding change: c.1154G>A on transcript NM_181712.5 (MANE Select); coding-DNA position 1154, G replaced by A.
Protein change: p.Arg385Gln; replaces arginine 385 with glutamine.
Molecular consequence: missense variant. On other transcripts: intron variant (1).
Genome position (GRCh38, 1-based): chr1:62,273,950, C>T on the plus strand (G>A on the coding strand, the complement: KANK4 is on the minus strand). VCF-style: chr1-62273950-C-T. GRCh37 (hg19) VCF-style: chr1-62739622-C-T.
Other names: c.17-2361G>A (NM_001320269.2); short protein forms R385Q.
Identifiers: ClinVar variation 2054110 (VCV002054110.5), dbSNP rs777904139, ClinGen allele CA884434.
Genomic context (GRCh38, chr1:62,273,950, plus strand): 5'-TCTTTGGCGTTCTCTTGGTGAAACTGTCCTTCCAGTTGGGCTACAGTGAACTCCAGCTCT[C>T]GAATTCTTTGCTCCCTAGCTTTGATTTCCTCTTCCTGCTGCTGGAGAGCAGTTCTGACCT-3'
Protein context (NP_859063.3, residues 375-395): EEIKAREQRI[Arg385Gln]ELEFTVAQLE

ClinVar aggregate classification (germline): Conflicting classifications of pathogenicity. Review status: criteria provided, conflicting classifications (1 of 4 stars). 2 submissions from 2 submitters: Uncertain significance (1); Likely benign (1). Last evaluated 2025-12-20.

Allele frequency attached by ClinVar (database versions not stated): gnomAD exomes 0.00004; gnomAD 0.00005; ExAC 0.00008; TOPMed 0.00008.
gnomAD v4.1: 64 of 1,614,196 alleles (0.004%); highest among the groups gnomAD compares: Admixed American, 0.033%; no homozygotes.

Submissions (2):

Labcorp Genetics (formerly Invitae), Labcorp
Classification: Uncertain significance. Last evaluated: 2025-12-20. Review status: criteria provided, single submitter. Criteria: Invitae Variant Classification Sherloc (09022015). Collection method: clinical testing. Allele origin: germline.
Comment: This sequence change replaces arginine, which is basic and polar, with glutamine, which is neutral and polar, at codon 385 of the KANK4 protein (p.Arg385Gln). This variant is present in population databases (rs777904139, gnomAD 0.04%). This variant has not been reported in the literature in individuals affected with KANK4-related conditions. ClinVar contains an entry for this variant (Variation ID: 2054110). An algorithm developed to predict the effect of missense changes on protein structure and function outputs the following: PolyPhen-2: "Benign". The glutamine amino acid residue is found in multiple mammalian species, which suggests that this missense change does not adversely affect protein function. In summary, the available evidence is currently insufficient to determine the role of this variant in disease. Therefore, it has been classified as a Variant of Uncertain Significance.

Ambry Genetics
Classification: Likely benign. Last evaluated: 2022-05-11. Review status: criteria provided, single submitter. Criteria: Ambry Variant Classification Scheme 2023. Collection method: clinical testing. Allele origin: germline.